The following is an entry in ClinVar:

ClinVar aggregate classification (germline): Conflicting classifications of pathogenicity. Review status: criteria provided, conflicting classifications (1 of 4 stars). 7 submissions from 6 submitters: Uncertain significance (4); Likely benign (2). 1 of the submissions does not count toward it. Last evaluated 2026-01-26.

Conditions:
LAMA3-related disorder. Also called: LAMA3-related disorders; LAMA3-related condition.
Laryngo-onycho-cutaneous syndrome (JEB2C). Also called: EPIDERMOLYSIS BULLOSA, JUNCTIONAL 2C, LARYNGOONYCHOCUTANEOUS; SHABBIR SYNDROME; LOGIC SYNDROME. Identifiers: Orphanet 2407, MedGen C1328355, MONDO:0009513, OMIM 245660.
Junctional epidermolysis bullosa gravis of Herlitz. Also called: EPIDERMOLYSIS BULLOSA, JUNCTIONAL 1B, SEVERE; Epidermolysis Bullosa Letalis; Herlitz-type junctional epidermolysis bullosa; EPIDERMOLYSIS BULLOSA JUNCTIONALIS, HERLITZ TYPE; EPIDERMOLYSIS BULLOSA, JUNCTIONAL, HERLITZ-PEARSON TYPE; JEB-HERLITZ TYPE. Identifiers: Orphanet 79404, MedGen C0079683, MONDO:0009182, OMIM 226700.

Allele frequency attached by ClinVar (database versions not stated): gnomAD exomes 0.00027; ExAC 0.00030; gnomAD 0.00052 and 0.00056; TOPMed 0.00072; 1000 Genomes Project 0.00100; ESP Exome Variant Server 0.00100; 1000 Genomes Project 30x 0.00109.
gnomAD v4.1: 228 of 1,613,914 alleles (0.014%); highest among the groups gnomAD compares: African/African-American, 0.2%; 1 homozygote.

Submissions (7):

Labcorp Genetics (formerly Invitae), Labcorp
Classification: Likely benign. Last evaluated: 2026-01-26. Review status: criteria provided, single submitter. Criteria: Invitae Variant Classification Sherloc (09022015). Collection method: clinical testing. Allele origin: germline.

PreventionGenetics, part of Exact Sciences
Classification: Likely benign for LAMA3-related condition. Last evaluated: 2024-11-16. Review status: criteria provided, single submitter. Criteria: ACMG Guidelines, 2015. Collection method: clinical testing. Allele origin: germline.
Comment: This variant is classified as likely benign based on ACMG/AMP sequence variant interpretation guidelines (Richards et al. 2015 PMID: 25741868, with internal and published modifications).

Blueprint Genetics
Classification: Uncertain significance. Last evaluated: 2024-04-04. Review status: criteria provided, single submitter. Criteria: ACMG Guidelines, 2015. Collection method: clinical testing. Allele origin: germline.

Revvity Omics, Revvity
Classification: Uncertain significance. Last evaluated: 2020-09-08. Review status: criteria provided, single submitter. Criteria: ACMG Guidelines, 2015. Collection method: clinical testing. Allele origin: germline.

Illumina Laboratory Services, Illumina
Classification: Uncertain significance for Laryngo-onycho-cutaneous syndrome. Last evaluated: 2018-01-12. Review status: criteria provided, single submitter. Criteria: ICSL Variant Classification Criteria 13 December 2019. Collection method: clinical testing. Allele origin: germline.

Illumina Laboratory Services, Illumina
Classification: Uncertain significance for Junctional epidermolysis bullosa gravis of Herlitz. Last evaluated: 2018-01-12. Review status: criteria provided, single submitter. Criteria: ICSL Variant Classification Criteria 13 December 2019. Collection method: clinical testing. Allele origin: germline.

Counsyl
Classification: Uncertain significance for Junctional epidermolysis bullosa gravis of Herlitz. Last evaluated: 2017-12-28. Review status: no assertion criteria provided. Collection method: clinical testing. Allele origin: unknown. Not counted in ClinVar's aggregate classification.

NM_198129.4(LAMA3):c.9241C>T (p.Arg3081Cys)

Gene: LAMA3 (laminin subunit alpha 3; plus strand). Cytogenetic location: 18q11.2.
Variant type: single nucleotide variant.
Coding change: c.9241C>T on transcript NM_198129.4 (MANE Select); coding-DNA position 9241, C replaced by T.
Protein change: p.Arg3081Cys; replaces arginine 3081 with cysteine.
Molecular consequence: missense variant.
Genome position (GRCh38, 1-based): chr18:23,946,174, C>T. VCF-style: chr18-23946174-C-T. GRCh37 (hg19) VCF-style: chr18-21526138-C-T.
Other names: c.4414C>T, p.Arg1472Cys (NM_000227.6); c.9073C>T, p.Arg3025Cys (NM_001127717.4); c.4246C>T, p.Arg1416Cys (NM_001127718.4); c.4414C>T (NM_000227.5); short protein forms R1472C, R3081C, R1416C, R3025C.
Identifiers: ClinVar variation 326344 (VCV000326344.20), dbSNP rs35762515, ClinGen allele CA8917140.